The following is an entry in ClinVar:

NM_000263.4(NAGLU):c.22dup (p.Ala8fs)

Genes: NAGLU (N-acetyl-alpha-glucosaminidase; plus strand), LOC130060903 (ATAC-STARR-seq lymphoblastoid silent region 8533; plus strand). Cytogenetic location: 17q21.2.
Variant type: Duplication.
Coding change: c.22dup on transcript NM_000263.4 (MANE Select); coding-DNA position 22, one base duplicated (G; older notation c.22dupG).
Protein change: p.Ala8fs; shifts the reading frame from alanine 8.
Molecular consequence: frameshift variant.
Genome position (GRCh38, 1-based): chr17:42,536,294, G duplicated. VCF-style (leftmost placement, unchanged base first): chr17-42536293-C-CG. GRCh37 (hg19) VCF-style: chr17-40688311-C-CG.
Other names: short protein forms A8fs.
Identifiers: ClinVar variation 5011909 (VCV005011909.1).

ClinVar aggregate classification (germline): Pathogenic (1 of 4 stars; one submission).

Conditions:
Mucopolysaccharidosis, MPS-III-B (MPS3B). Also called: N-ACETYL-ALPHA-D-GLUCOSAMINIDASE DEFICIENCY; NAGLU DEFICIENCY; SANFILIPPO SYNDROME B; MPS III B; MUCOPOLYSACCHARIDOSIS, TYPE IIIB; Mucopolysaccharidosis type IIIB (Sanfilippo B). Identifiers: Orphanet 79270, MedGen C0086648, MONDO:0009656, OMIM 252920.

Submission:

Myriad Genetics, Inc.
Classification: Pathogenic for Mucopolysaccharidosis, MPS-III-B. Last evaluated: 2023-09-27. Review status: criteria provided, single submitter. Criteria: Myriad Autosomal Dominant, Autosomal Recessive and X-Linked Classification Criteria (2023). Collection method: clinical testing. Allele origin: unknown.
Comment: NM_000263.3(NAGLU):c.22dupG(A8Gfs*184) is expected to be pathogenic in the context of mucopolysaccharidosis type IIIB. This variant is predicted to lead to an abnormal or absent protein product due to the creation of a premature termination codon in NAGLU, a gene where loss-of-function variants are known to be pathogenic. Please note: this variant was assessed in the context of healthy population screening.